The following is an entry in ClinVar:

NM_000038.6(APC):c.4667C>A (p.Thr1556Asn)

Gene: APC (APC regulator of Wnt signaling pathway; plus strand). Cytogenetic location: 5q22.2.
Variant type: single nucleotide variant.
Coding change: c.4667C>A on transcript NM_000038.6 (MANE Select); coding-DNA position 4667, C replaced by A.
Protein change: p.Thr1556Asn; replaces threonine 1556 with asparagine.
Molecular consequence: missense variant.
Genome position (GRCh38, 1-based): chr5:112,840,261, C>A. VCF-style: chr5-112840261-C-A. GRCh37 (hg19) VCF-style: chr5-112175958-C-A.
Other names: c.4667C>A, p.Thr1556Asn (NM_001127510.3, NM_001354895.2); c.4613C>A, p.Thr1538Asn (NM_001127511.3); c.4721C>A, p.Thr1574Asn (NM_001354896.2); c.4697C>A, p.Thr1566Asn (NM_001354897.2); c.4592C>A, p.Thr1531Asn (NM_001354898.2); c.4583C>A, p.Thr1528Asn (NM_001354899.2); c.4544C>A, p.Thr1515Asn (NM_001354900.2); c.4490C>A, p.Thr1497Asn (NM_001354901.2); and 5 more; short protein forms T1538N, T1556N, T1396N, T1430N, T1465N, T1497N, T1566N, T1574N.
Identifiers: ClinVar variation 490281 (VCV000490281.20), dbSNP rs573468341, ClinGen allele CA039528.

ClinVar aggregate classification (germline): Uncertain significance. Review status: criteria provided, multiple submitters, no conflicts (2 of 4 stars). 3 submissions from 3 submitters: Uncertain significance (3). Last evaluated 2023-12-05.

Conditions:
Familial adenomatous polyposis 1 (FAP1). Also called: POLYPOSIS, ADENOMATOUS INTESTINAL; FAMILIAL ADENOMATOUS POLYPOSIS 1, ATTENUATED. Identifiers: MedGen C2713442, MONDO:0021056, OMIM 175100. Disease mechanism: loss of function.
Hereditary cancer-predisposing syndrome. Also called: Hereditary Cancer Syndrome; Neoplastic Syndromes, Hereditary; Tumor predisposition; Hereditary neoplastic syndrome. Identifiers: Orphanet 140162, MedGen C0027672, MeSH D009386, MONDO:0015356.

Allele frequency attached by ClinVar (database versions not stated): ExAC 0.00001; gnomAD 0.00001; 1000 Genomes Project 30x 0.00016; 1000 Genomes Project 0.00020.
gnomAD v4.1: 1 of 1,614,120 alleles (0.000062%); highest among the groups gnomAD compares: East Asian, 0.0022%; no homozygotes.

Submissions (3):

Color Diagnostics, LLC DBA Color Health
Classification: Uncertain significance for Hereditary cancer-predisposing syndrome. Last evaluated: 2023-12-05. Review status: criteria provided, single submitter. Criteria: ACMG Guidelines, 2015. Collection method: clinical testing. Allele origin: germline.
Comment: This missense variant replaces threonine with asparagine at codon 1556 of the APC protein. Computational prediction suggests that this variant may not impact protein structure and function (internally defined REVEL score threshold <= 0.5, PMID: 27666373). To our knowledge, functional studies have not been reported for this variant. This variant has not been reported in individuals affected with APC-related disorders in the literature. This variant has been identified in 1/250082 chromosomes in the general population by the Genome Aggregation Database (gnomAD). The available evidence is insufficient to determine the role of this variant in disease conclusively. Therefore, this variant is classified as a Variant of Uncertain Significance.

Labcorp Genetics (formerly Invitae), Labcorp
Classification: Uncertain significance for Familial adenomatous polyposis 1. Last evaluated: 2020-06-01. Review status: criteria provided, single submitter. Criteria: Invitae Variant Classification Sherloc (09022015). Collection method: clinical testing. Allele origin: germline.
Comment: This sequence change replaces threonine with asparagine at codon 1556 of the APC protein (p.Thr1556Asn). The threonine residue is weakly conserved and there is a small physicochemical difference between threonine and asparagine. This variant is present in population databases (rs573468341, ExAC 0.01%). This variant has not been reported in the literature in individuals with APC-related conditions. ClinVar contains an entry for this variant (Variation ID: 490281). Algorithms developed to predict the effect of missense changes on protein structure and function (SIFT, PolyPhen-2, Align-GVGD) all suggest that this variant is likely to be tolerated, but these predictions have not been confirmed by published functional studies and their clinical significance is uncertain. In summary, the available evidence is currently insufficient to determine the role of this variant in disease. Therefore, it has been classified as a Variant of Uncertain Significance.

Ambry Genetics
Classification: Uncertain significance for Hereditary cancer-predisposing syndrome. Last evaluated: 2018-12-07. Review status: criteria provided, single submitter. Criteria: Ambry Variant Classification Scheme 2023. Collection method: clinical testing. Allele origin: germline.